The following is an entry in ClinVar:

ClinVar aggregate classification (germline): Likely benign (1 of 4 stars; one submission).

Conditions:
KIDINS220-related disorder. Also called: KIDINS220-related condition.

gnomAD v4.1: 1 of 1,614,130 alleles (0.000062%); highest among the groups gnomAD compares: East Asian, 0.0022%; no homozygotes.

Submission:

PreventionGenetics, part of Exact Sciences
Classification: Likely benign for KIDINS220-related condition. Last evaluated: 2025-02-18. Review status: criteria provided, single submitter. Criteria: ACMG Guidelines, 2015. Collection method: clinical testing. Allele origin: germline.
Comment: This variant is classified as likely benign based on ACMG/AMP sequence variant interpretation guidelines (Richards et al. 2015 PMID: 25741868, with internal and published modifications).

NM_020738.4(KIDINS220):c.2460T>C (p.Asn820=)

Gene: KIDINS220 (kinase D interacting substrate 220; minus strand). Cytogenetic location: 2p25.1.
Variant type: single nucleotide variant.
Coding change: c.2460T>C on transcript NM_020738.4 (MANE Select); coding-DNA position 2460, T replaced by C.
Protein change: p.Asn820=; no amino-acid change (asparagine 820 retained).
Molecular consequence: synonymous variant. On other transcripts: non-coding transcript variant (2).
Genome position (GRCh38, 1-based): chr2:8,779,050, A>G on the plus strand (T>C on the coding strand, the complement: KIDINS220 is on the minus strand). VCF-style: chr2-8779050-A-G. GRCh37 (hg19) VCF-style: chr2-8919180-A-G.
Other names: c.2463T>C, p.Asn821= (NM_001348729.2, NM_001348731.2, NM_001348734.2 and 3 more transcripts); c.2460T>C, p.Asn820= (NM_001348732.2, NM_001348735.2, NM_001348738.2 and 3 more transcripts); c.2334T>C, p.Asn778= (NM_001348736.2).
Identifiers: ClinVar variation 4997605 (VCV004997605.1).